The following is an entry in ClinVar:

ClinVar aggregate classification (germline): Benign/Likely benign. Review status: criteria provided, multiple submitters, no conflicts (2 of 4 stars). 10 submissions from 10 submitters: Benign (6); Likely benign (2). 2 of the submissions do not count toward it. Last evaluated 2026-02-04.

Conditions:
Antley-Bixler syndrome with genital anomalies and disordered steroidogenesis (ABS1). Also called: POR Deficiency. Identifiers: Orphanet 63269, MedGen C3150099, MONDO:0008726, OMIM 201750.
Congenital adrenal hyperplasia due to cytochrome P450 oxidoreductase deficiency. Also called: DISORDERED STEROIDOGENESIS DUE TO POR DEFICIENCY. Identifiers: Orphanet 95699, MedGen C1860042, MONDO:0013310, OMIM 613571.
21-Hydroxylase-Deficient Congenital Adrenal Hyperplasia. Also called: ADRENAL HYPERPLASIA III; ADRENAL HYPERPLASIA, CONGENITAL, DUE TO 21-HYDROXYLASE DEFICIENCY. Identifiers: MedGen C2936858, OMIM 201910.

Allele frequency attached by ClinVar (database versions not stated): gnomAD 0.20982 and 0.21625; TOPMed 0.22467; 1000 Genomes Project 30x 0.24610; 1000 Genomes Project 0.24940; gnomAD exomes 0.25736 and 0.27576; ExAC 0.26594; ESP Exome Variant Server 0.19362.

Submissions (10):

Labcorp Genetics (formerly Invitae), Labcorp
Classification: Benign for Congenital adrenal hyperplasia due to cytochrome P450 oxidoreductase deficiency. Last evaluated: 2026-02-04. Review status: criteria provided, single submitter. Criteria: Invitae Variant Classification Sherloc (09022015). Collection method: clinical testing. Allele origin: germline.

Blueprint Genetics
Classification: Benign. Last evaluated: 2024-11-27. Review status: criteria provided, single submitter. Criteria: ACMG Guidelines, 2015. Collection method: clinical testing. Allele origin: germline.

Genome-Nilou Lab
Classification: Benign for Antley-Bixler syndrome with genital anomalies and disordered steroidogenesis. Last evaluated: 2021-10-25. Review status: criteria provided, single submitter. Criteria: ACMG Guidelines, 2015. Collection method: clinical testing. Allele origin: germline. Affected: no.

Illumina Laboratory Services, Illumina
Classification: Benign for Congenital adrenal hyperplasia due to cytochrome P450 oxidoreductase deficiency. Last evaluated: 2018-01-13. Review status: criteria provided, single submitter. Criteria: ICSL Variant Classification Criteria 13 December 2019. Collection method: clinical testing. Allele origin: germline.
Comment: This variant was observed in the ICSL laboratory as part of a predisposition screen in an ostensibly healthy population. It had not been previously curated by ICSL or reported in the Human Gene Mutation Database (HGMD: prior to June 1st, 2018), and was therefore a candidate for classification through an automated scoring system. Utilizing variant allele frequency, disease prevalence and penetrance estimates, and inheritance mode, an automated score was calculated to assess if this variant is too frequent to cause the disease. Based on the score and internal cut-off values, a variant classified as benign is not then subjected to further curation. The score for this variant resulted in a classification of benign for this disease.

GeneDx
Classification: Benign. Last evaluated: 2015-03-03. Review status: criteria provided, single submitter. Criteria: GeneDx Variant Classification Process June 2021. Collection method: clinical testing. Allele origin: germline. Affected: yes.

Breakthrough Genomics
Classification: Likely benign. Review status: criteria provided, single submitter. Criteria: ACMG Guidelines, 2015. Collection method: not provided. Allele origin: germline. Inheritance: Autosomal recessive inheritance. Affected: yes.

Pecori Giraldi Lab, University of Milan
Classification: Likely benign for 21-Hydroxylase-Deficient Congenital Adrenal Hyperplasia. Review status: criteria provided, single submitter. Criteria: ACMG Guidelines, 2015. Collection method: case-control. Allele origin: germline. Affected: yes and no.

PreventionGenetics, part of Exact Sciences
Classification: Benign. Review status: criteria provided, single submitter. Criteria: ACMG Guidelines, 2015. Collection method: clinical testing. Allele origin: germline.

Diagnostic Laboratory, Department of Genetics, University Medical Center Groningen
Classification: Benign. Review status: no assertion criteria provided. Collection method: clinical testing. Allele origin: germline. Affected: yes. Study: VKGL Data-share Consensus. Not counted in ClinVar's aggregate classification.

Joint Genome Diagnostic Labs from Nijmegen and Maastricht, Radboudumc and MUMC+
Classification: Benign. Review status: no assertion criteria provided. Collection method: clinical testing. Allele origin: germline. Affected: yes. Study: VKGL Data-share Consensus. Not counted in ClinVar's aggregate classification.

Literature cited by the submitters: PubMed 33666875 (cited by Pecori Giraldi Lab, University of Milan); PubMed 27068427 (cited by Pecori Giraldi Lab, University of Milan); PubMed 21070833 (cited by Pecori Giraldi Lab, University of Milan); PubMed 24847272 (cited by Pecori Giraldi Lab, University of Milan).

NM_001395413.1(POR):c.378A>G (p.Pro126=)

Gene: POR (cytochrome p450 oxidoreductase; plus strand). Cytogenetic location: 7q11.23.
Variant type: single nucleotide variant.
Coding change: c.378A>G on transcript NM_001395413.1 (MANE Select); coding-DNA position 378, A replaced by G.
Protein change: p.Pro126=; no amino-acid change (proline 126 retained).
Molecular consequence: synonymous variant.
Genome position (GRCh38, 1-based): chr7:75,980,359, A>G. VCF-style: chr7-75980359-A-G. GRCh37 (hg19) VCF-style: chr7-75609677-A-G.
Other names: c.387A>G, p.Pro129= (NM_000941.3); c.378A>G, p.Pro126= (NM_001367562.3, NM_001382657.2, NM_001382658.3 and 2 more transcripts); c.432A>G, p.Pro144= (NM_001382655.3).
Identifiers: ClinVar variation 256842 (VCV000256842.26), dbSNP rs1135612, ClinGen allele CA4303627.